The following is an entry in ClinVar:

ClinVar aggregate classification (germline): Uncertain significance. Review status: criteria provided, single submitter (1 of 4 stars). 2 submissions from 2 submitters: Uncertain significance (1). 1 of the submissions does not count toward it. Last evaluated 2025-02-10.

Conditions:
Propionic acidemia (PROP). Also called: GLYCINEMIA, KETOTIC; HYPERGLYCINEMIA WITH KETOACIDOSIS AND LEUKOPENIA; KETOTIC HYPERGLYCINEMIA. Identifiers: Orphanet 35, MedGen C0268579, MONDO:0011628, OMIM 606054, HP:0003571.

gnomAD v4.1: 11 of 1,613,118 alleles (0.00068%); highest among the groups gnomAD compares: East Asian, 0.0089%; no homozygotes.

Submissions (2):

Labcorp Genetics (formerly Invitae), Labcorp
Classification: Uncertain significance for Propionic acidemia. Last evaluated: 2025-02-10. Review status: criteria provided, single submitter. Criteria: Invitae Variant Classification Sherloc (09022015). Collection method: clinical testing. Allele origin: germline.
Comment: This sequence change replaces alanine, which is neutral and non-polar, with threonine, which is neutral and polar, at codon 468 of the PCCB protein (p.Ala468Thr). This variant is present in population databases (rs775563122, gnomAD 0.006%). This missense change has been observed in individual(s) with propionic acidemia (PMID: 12189489). ClinVar contains an entry for this variant (Variation ID: 343476). Invitae Evidence Modeling of protein sequence and biophysical properties (such as structural, functional, and spatial information, amino acid conservation, physicochemical variation, residue mobility, and thermodynamic stability) indicates that this missense variant is expected to disrupt PCCB protein function with a positive predictive value of 95%. This variant disrupts the p.Ala468 amino acid residue in PCCB. Other variant(s) that disrupt this residue have been observed in individuals with PCCB-related conditions (PMID: 37308883), which suggests that this may be a clinically significant amino acid residue. In summary, the available evidence is currently insufficient to determine the role of this variant in disease. Therefore, it has been classified as a Variant of Uncertain Significance.

Counsyl
Classification: Uncertain significance for Propionic acidemia. Last evaluated: 2018-03-07. Review status: no assertion criteria provided. Collection method: clinical testing. Allele origin: unknown. Not counted in ClinVar's aggregate classification.

Literature cited by the submitters: PubMed 12189489 (cited by Labcorp Genetics (formerly Invitae), Labcorp and Counsyl); PubMed 37308883 (cited by Labcorp Genetics (formerly Invitae), Labcorp).

NM_000532.5(PCCB):c.1402G>A (p.Ala468Thr)

Gene: PCCB (propionyl-CoA carboxylase subunit beta; plus strand). Cytogenetic location: 3q22.3.
Variant type: single nucleotide variant.
Coding change: c.1402G>A on transcript NM_000532.5 (MANE Select); coding-DNA position 1402, G replaced by A.
Protein change: p.Ala468Thr; replaces alanine 468 with threonine.
Molecular consequence: missense variant.
Genome position (GRCh38, 1-based): chr3:136,328,761, G>A. VCF-style: chr3-136328761-G-A. GRCh37 (hg19) VCF-style: chr3-136047603-G-A.
Other names: c.1462G>A, p.Ala488Thr (NM_001178014.2); short protein forms A468T, A488T.
Identifiers: ClinVar variation 343476 (VCV000343476.7), dbSNP rs775563122, ClinGen allele CA2632183.